The following is an entry in ClinVar:

ClinVar aggregate classification (germline): Pathogenic. Review status: criteria provided, multiple submitters, no conflicts (2 of 4 stars). 2 submissions from 2 submitters: Pathogenic (2). Last evaluated 2023-10-03.

Conditions:
PDE6A-related disorder. Also called: PDE6A-related condition.
Retinitis pigmentosa 43 (RP43). Identifiers: Orphanet 791, MedGen C3151139, MONDO:0013437, OMIM 613810.

Allele frequency attached by ClinVar (database versions not stated): gnomAD exomes 0.00001.

Submissions (2):

Blueprint Genetics
Classification: Pathogenic for PDE6A-related disorders. Last evaluated: 2023-10-03. Review status: criteria provided, single submitter. Criteria: ACMG Guidelines, 2015. Collection method: clinical testing. Allele origin: germline. Affected: yes. Observed: 5 variant alleles.

Ocular Genomics Institute, Massachusetts Eye and Ear
Classification: Pathogenic for Retinitis pigmentosa 43. Last evaluated: 2021-04-08. Review status: criteria provided, single submitter. Criteria: ACMG Guidelines, 2015. Collection method: research. Allele origin: germline. Affected: yes.
Comment: Through a review of available evidence we were able to apply the following criteria: PVS1, PM2, PM3. Based on this evidence we have classified this variant as Pathogenic.

NM_000440.3(PDE6A):c.205C>T (p.Gln69Ter)

Gene: PDE6A (phosphodiesterase 6A; minus strand). Cytogenetic location: 5q32.
Variant type: single nucleotide variant.
Coding change: c.205C>T on transcript NM_000440.3 (MANE Select); coding-DNA position 205, C replaced by T.
Protein change: p.Gln69Ter; replaces glutamine 69 with a stop codon.
Molecular consequence: nonsense.
Genome position (GRCh38, 1-based): chr5:149,944,469, G>A on the plus strand (C>T on the coding strand, the complement: PDE6A is on the minus strand). VCF-style: chr5-149944469-G-A. GRCh37 (hg19) VCF-style: chr5-149324032-G-A.
Other names: short protein forms Q69*.
Identifiers: ClinVar variation 1065769 (VCV001065769.2), dbSNP rs1450419928, ClinGen allele CA361700930.